The following is an entry in ClinVar:

ClinVar aggregate classification (germline): Uncertain significance. Review status: criteria provided, multiple submitters, no conflicts (2 of 4 stars). 2 submissions from 2 submitters: Uncertain significance (2). Last evaluated 2023-03-09.

Conditions:
Intellectual developmental disorder with microcephaly and with or without ocular malformations or hypogonadotropic hypogonadism. Also called: Intellectual disability, autosomal dominant 27; Coffin-Siris Syndrome 9. Identifiers: Orphanet 1465, MedGen C4014528, MONDO:0014376, OMIM 615866.

Submissions (2):

SIB Swiss Institute of Bioinformatics
Classification: Uncertain significance for Intellectual developmental disorder with microcephaly and with or without ocular malformations or hypogonadotropic hypogonadism. Last evaluated: 2023-03-09. Review status: criteria provided, single submitter. Criteria: ACMG Guidelines, 2015. Collection method: curation. Allele origin: unknown.
Comment: This variant is interpreted as variant of uncertain significance for Intellectual developmental disorder with microcephaly and with or without ocular malformations or hypogonadotropic hypogonadism, autosomal dominant. The following ACMG Tag(s) were applied: Absent from controls (or at extremely low frequency if recessive) in Exome Sequencing Project, 1000 Genomes Project, or Exome Aggregation Consortium (PM2); De novo paternity and maternity not confirmed (PM6); Multiple lines of computational evidence support a deleterious effect on the gene or gene product (PP3).

GeneDx
Classification: Uncertain significance. Last evaluated: 2021-09-23. Review status: criteria provided, single submitter. Criteria: GeneDx Variant Classification Process June 2021. Collection method: clinical testing. Allele origin: germline. Affected: yes.
Comment: Not observed at significant frequency in large population cohorts (Lek et al., 2016); In silico analysis supports that this missense variant has a deleterious effect on protein structure/function; Has not been previously published as pathogenic or benign to our knowledge; Not within any known functional domain

Literature cited by the submitters: PubMed 35341651 (cited by SIB Swiss Institute of Bioinformatics).

NM_003108.4(SOX11):c.142C>G (p.His48Asp)

Gene: SOX11 (SRY-box transcription factor 11; plus strand). Cytogenetic location: 2p25.2.
Variant type: single nucleotide variant.
Coding change: c.142C>G on transcript NM_003108.4 (MANE Select); coding-DNA position 142, C replaced by G.
Protein change: p.His48Asp; replaces histidine 48 with aspartic acid.
Molecular consequence: missense variant.
Genome position (GRCh38, 1-based): chr2:5,692,863, C>G. VCF-style: chr2-5692863-C-G. GRCh37 (hg19) VCF-style: chr2-5832995-C-G.
Other names: short protein forms H48D.
Identifiers: ClinVar variation 1301272 (VCV001301272.3), dbSNP rs2103276319, ClinGen allele CA345866029.
Genomic context (GRCh38, chr2:5,692,863, plus strand): 5'-GCTTGCAGCCCGGTGGCCCTGGACGAGAGCGACCCAGACTGGTGCAAGACGGCGTCGGGC[C>G]ACATCAAGCGGCCGATGAACGCGTTCATGGTATGGTCCAAGATCGAACGCAGGAAGATCA-3'
Protein context (NP_003099.1, residues 38-58): DPDWCKTASG[His48Asp]IKRPMNAFMV